The following is an entry in ClinVar:

ClinVar aggregate classification (germline): Uncertain significance. Review status: criteria provided, multiple submitters, no conflicts (2 of 4 stars). 3 submissions from 3 submitters: Uncertain significance (3). Last evaluated 2024-08-22.

Allele frequency attached by ClinVar (database versions not stated): gnomAD 0.00001; gnomAD exomes 0.00001; TOPMed 0.00001.

Submissions (3):

GeneDx
Classification: Uncertain significance. Last evaluated: 2024-08-22. Review status: criteria provided, single submitter. Criteria: GeneDx Variant Classification Process June 2021. Collection method: clinical testing. Allele origin: germline. Affected: yes.
Comment: In silico analysis supports that this missense variant has a deleterious effect on protein structure/function; Has not been previously published as pathogenic or benign to our knowledge

Labcorp Genetics (formerly Invitae), Labcorp
Classification: Uncertain significance. Last evaluated: 2024-07-16. Review status: criteria provided, single submitter. Criteria: Invitae Variant Classification Sherloc (09022015). Collection method: clinical testing. Allele origin: germline.
Comment: This sequence change replaces arginine, which is basic and polar, with cysteine, which is neutral and slightly polar, at codon 218 of the SETD1A protein (p.Arg218Cys). This variant is present in population databases (no rsID available, gnomAD 0.002%). This variant has not been reported in the literature in individuals affected with SETD1A-related conditions. ClinVar contains an entry for this variant (Variation ID: 2435845). An algorithm developed to predict the effect of missense changes on protein structure and function (PolyPhen-2) suggests that this variant is likely to be disruptive. In summary, the available evidence is currently insufficient to determine the role of this variant in disease. Therefore, it has been classified as a Variant of Uncertain Significance.

Revvity Omics, Revvity
Classification: Uncertain significance. Last evaluated: 2022-08-18. Review status: criteria provided, single submitter. Criteria: ACMG Guidelines, 2015. Collection method: clinical testing. Allele origin: germline.

NM_014712.3(SETD1A):c.652C>T (p.Arg218Cys)

Gene: SETD1A (SET domain containing 1A, histone lysine methyltransferase; plus strand). Cytogenetic location: 16p11.2.
Variant type: single nucleotide variant.
Coding change: c.652C>T on transcript NM_014712.3 (MANE Select); coding-DNA position 652, C replaced by T.
Protein change: p.Arg218Cys; replaces arginine 218 with cysteine.
Molecular consequence: missense variant.
Genome position (GRCh38, 1-based): chr16:30,964,106, C>T. VCF-style: chr16-30964106-C-T. GRCh37 (hg19) VCF-style: chr16-30975427-C-T.
Other names: c.652C>T (NM_014712.1); short protein forms R218C.
Identifiers: ClinVar variation 2435845 (VCV002435845.6), dbSNP rs1437147970, ClinGen allele CA395650287.